The following is an entry in ClinVar:

NM_001130009.3(GEN1):c.711G>C (p.Arg237Ser)

Gene: GEN1 (GEN1 structure-specific endonuclease; plus strand). Cytogenetic location: 2p24.2.
Variant type: single nucleotide variant.
Coding change: c.711G>C on transcript NM_001130009.3 (MANE Select); coding-DNA position 711, G replaced by C.
Protein change: p.Arg237Ser; replaces arginine 237 with serine.
Molecular consequence: missense variant.
Genome position (GRCh38, 1-based): chr2:17,771,196, G>C. VCF-style: chr2-17771196-G-C. GRCh37 (hg19) VCF-style: chr2-17952463-G-C.
Other names: c.711G>C, p.Arg237Ser (NM_182625.5); short protein forms R237S.
Identifiers: ClinVar variation 2796232 (VCV002796232.3), dbSNP rs2545580420, ClinGen allele CA345914581.

ClinVar aggregate classification (germline): Uncertain significance (1 of 4 stars; one submission).

Submission:

Labcorp Genetics (formerly Invitae), Labcorp
Classification: Uncertain significance. Last evaluated: 2023-12-16. Review status: criteria provided, single submitter. Criteria: Invitae Variant Classification Sherloc (09022015). Collection method: clinical testing. Allele origin: germline.
Comment: This sequence change replaces arginine, which is basic and polar, with serine, which is neutral and polar, at codon 237 of the GEN1 protein (p.Arg237Ser). This variant is not present in population databases (gnomAD no frequency). This variant has not been reported in the literature in individuals affected with GEN1-related conditions. An algorithm developed to predict the effect of missense changes on protein structure and function (PolyPhen-2) suggests that this variant is likely to be disruptive. Algorithms developed to predict the effect of sequence changes on RNA splicing suggest that this variant may disrupt the consensus splice site. In summary, the available evidence is currently insufficient to determine the role of this variant in disease. Therefore, it has been classified as a Variant of Uncertain Significance.